The following is an entry in ClinVar:

NM_000256.3(MYBPC3):c.446C>T (p.Ala149Val)

Gene: MYBPC3 (myosin binding protein C3; minus strand). Cytogenetic location: 11p11.2.
Variant type: single nucleotide variant.
Coding change: c.446C>T on transcript NM_000256.3 (MANE Select); coding-DNA position 446, C replaced by T.
Protein change: p.Ala149Val; replaces alanine 149 with valine.
Molecular consequence: missense variant.
Genome position (GRCh38, 1-based): chr11:47,350,073, G>A on the plus strand (C>T on the coding strand, the complement: MYBPC3 is on the minus strand). VCF-style: chr11-47350073-G-A. GRCh37 (hg19) VCF-style: chr11-47371624-G-A.
Other names: short protein forms A149V.
Identifiers: ClinVar variation 188525 (VCV000188525.11), dbSNP rs779493486, ClinGen allele CA015109.

ClinVar aggregate classification (germline): Conflicting classifications of pathogenicity. Review status: criteria provided, conflicting classifications (1 of 4 stars). 4 submissions from 4 submitters: Uncertain significance (3); Likely benign (1). Last evaluated 2024-11-13.

Conditions:
Cardiovascular phenotype. Identifiers: MedGen CN230736.
Cardiomyopathy (CMYO). Also called: Cardiomyopathies. Identifiers: Orphanet 167848, MedGen C0878544, MONDO:0004994, HP:0001638. Inheritance: Various modes of inheritance.
Hypertrophic cardiomyopathy. Also called: HYPERTROPHIC MYOCARDIOPATHY. Identifiers: Orphanet 217569, MedGen C0007194, MeSH D002312, MONDO:0005045, HP:0001639.

gnomAD v4.1: 22 of 1,561,962 alleles (0.0014%); highest among the groups gnomAD compares: East Asian, 0.031%; no homozygotes.

Submissions (4):

Color Diagnostics, LLC DBA Color Health
Classification: Uncertain significance for Cardiomyopathy. Last evaluated: 2024-11-13. Review status: criteria provided, single submitter. Criteria: ACMG Guidelines, 2015. Collection method: clinical testing. Allele origin: germline.
Comment: This missense variant replaces alanine with valine at codon 149 of the MYBPC3 protein. Computational prediction suggests that this variant may not impact protein structure and function. To our knowledge, functional studies have not been reported for this variant. This variant has been reported in an individual affected with hypertrophic cardiomyopathy (PMID: 33588347). It has also been reported in two individuals affected with sudden unexplained death (PMID: 24440382, 38296580). This variant has been identified in 2/170484 chromosomes in the general population by the Genome Aggregation Database (gnomAD). The available evidence is insufficient to determine the role of this variant in disease conclusively. Therefore, this variant is classified as a Variant of Uncertain Significance.

Labcorp Genetics (formerly Invitae), Labcorp
Classification: Uncertain significance for Hypertrophic cardiomyopathy. Last evaluated: 2024-06-04. Review status: criteria provided, single submitter. Criteria: Invitae Variant Classification Sherloc (09022015). Collection method: clinical testing. Allele origin: germline.
Comment: This sequence change replaces alanine, which is neutral and non-polar, with valine, which is neutral and non-polar, at codon 149 of the MYBPC3 protein (p.Ala149Val). The frequency data for this variant in the population databases is considered unreliable, as metrics indicate poor data quality at this position in the gnomAD database. This variant has not been reported in the literature in individuals affected with MYBPC3-related conditions. ClinVar contains an entry for this variant (Variation ID: 188525). Algorithms developed to predict the effect of missense changes on protein structure and function output the following: SIFT: "Not Available"; PolyPhen-2: "Benign"; Align-GVGD: "Not Available". The valine amino acid residue is found in multiple mammalian species, which suggests that this missense change does not adversely affect protein function. In summary, the available evidence is currently insufficient to determine the role of this variant in disease. Therefore, it has been classified as a Variant of Uncertain Significance.

Ambry Genetics
Classification: Likely benign for Cardiovascular phenotype. Last evaluated: 2024-02-29. Review status: criteria provided, single submitter. Criteria: Ambry Variant Classification Scheme 2023. Collection method: clinical testing. Allele origin: germline.

All of Us Research Program, National Institutes of Health
Classification: Uncertain significance for Hypertrophic cardiomyopathy. Last evaluated: 2023-07-10. Review status: criteria provided, single submitter. Criteria: ACMG Guidelines, 2015. Collection method: clinical testing. Allele origin: germline. Inheritance: Autosomal dominant inheritance. Observed: 2 variant alleles, 2 heterozygotes.
Comment: This missense variant replaces alanine with valine at codon 149 of the MYBPC3 protein. Computational prediction suggests that this variant may not impact protein structure and function (internally defined REVEL score threshold <= 0.5, PMID: 27666373). To our knowledge, functional studies have not been reported for this variant. This variant has been reported in an individual affected with hypertrophic cardiomyopathy (PMID: 33588347). This variant has been identified in 2/170484 chromosomes in the general population by the Genome Aggregation Database (gnomAD). The available evidence is insufficient to determine the role of this variant in disease conclusively. Therefore, this variant is classified as a Variant of Uncertain Significance.

This study involves interpretation of variants in research participants for the purpose of population health screening. Participant phenotype was not available at the time of variant classification. Additional details can be found in publication PMID: 35346344, PMCID: PMC8962531

Literature cited by the submitters: PubMed 24440382 (cited by Color Diagnostics, LLC DBA Color Health and Ambry Genetics); PubMed 33588347 (cited by Color Diagnostics, LLC DBA Color Health and All of Us Research Program, National Institutes of Health); PubMed 38296580 (cited by Color Diagnostics, LLC DBA Color Health and Ambry Genetics); PubMed 29192238 (cited by Ambry Genetics).